The following is an entry in ClinVar:

NM_001684.5(ATP2B4):c.2552A>G (p.Asn851Ser)

Gene: ATP2B4 (ATPase plasma membrane Ca2+ transporting 4; plus strand). Cytogenetic location: 1q32.1.
Variant type: single nucleotide variant.
Coding change: c.2552A>G on transcript NM_001684.5 (MANE Select); coding-DNA position 2552, A replaced by G.
Protein change: p.Asn851Ser; replaces asparagine 851 with serine.
Molecular consequence: missense variant.
Genome position (GRCh38, 1-based): chr1:203,720,694, A>G. VCF-style: chr1-203720694-A-G. GRCh37 (hg19) VCF-style: chr1-203689822-A-G.
Other names: c.2552A>G, p.Asn851Ser (NM_001001396.3, NM_001365783.2, NM_001365784.2); short protein forms N851S.
Identifiers: ClinVar variation 2319945 (VCV002319945.3), dbSNP rs370840675, ClinGen allele CA1341897.

ClinVar aggregate classification (germline): Uncertain significance. Review status: criteria provided, multiple submitters, no conflicts (2 of 4 stars). 2 submissions from 2 submitters: Uncertain significance (2). Last evaluated 2025-12-23.

Allele frequency attached by ClinVar (database versions not stated): gnomAD exomes 0.00001; ExAC 0.00003; gnomAD 0.00003; TOPMed 0.00003; ESP Exome Variant Server 0.00015.
gnomAD v4.1: 25 of 1,613,818 alleles (0.0015%); highest among the groups gnomAD compares: Admixed American, 0.0017%; no homozygotes.

Submissions (2):

Labcorp Genetics (formerly Invitae), Labcorp
Classification: Uncertain significance. Last evaluated: 2025-12-23. Review status: criteria provided, single submitter. Criteria: Invitae Variant Classification Sherloc (09022015). Collection method: clinical testing. Allele origin: germline.
Comment: This sequence change replaces asparagine, which is neutral and polar, with serine, which is neutral and polar, at codon 851 of the ATP2B4 protein (p.Asn851Ser). This variant is present in population databases (rs370840675, gnomAD 0.07%), and has an allele count higher than expected for a pathogenic variant. This variant has not been reported in the literature in individuals affected with ATP2B4-related conditions. ClinVar contains an entry for this variant (Variation ID: 2319945). Invitae Evidence Modeling of protein sequence and biophysical properties (such as structural, functional, and spatial information, amino acid conservation, physicochemical variation, residue mobility, and thermodynamic stability) indicates that this missense variant is not expected to disrupt ATP2B4 protein function with a negative predictive value of 80%. In summary, the available evidence is currently insufficient to determine the role of this variant in disease. Therefore, it has been classified as a Variant of Uncertain Significance.

Ambry Genetics
Classification: Uncertain significance. Last evaluated: 2022-10-26. Review status: criteria provided, single submitter. Criteria: Ambry Variant Classification Scheme 2023. Collection method: clinical testing. Allele origin: germline.